The following is an entry in ClinVar:

NM_001360016.2(G6PD):c.409C>T (p.Leu137Phe)

Gene: G6PD (glucose-6-phosphate dehydrogenase; minus strand). Cytogenetic location: Xq28.
Variant type: single nucleotide variant.
Coding change: c.409C>T on transcript NM_001360016.2 (MANE Select); coding-DNA position 409, C replaced by T.
Protein change: p.Leu137Phe; replaces leucine 137 with phenylalanine.
Molecular consequence: missense variant.
Genome position (GRCh38, 1-based): chrX:154,535,244, G>A on the plus strand (C>T on the coding strand, the complement: G6PD is on the minus strand). VCF-style: chrX-154535244-G-A. GRCh37 (hg19) VCF-style: chrX-153763459-G-A.
Other names: G6PD Belem; c.499C>T, p.Leu167Phe (NM_000402.4); c.409C>T, p.Leu137Phe (NM_001042351.3); short protein forms L137F, L167F.
Identifiers: ClinVar variation 1722724 (VCV001722724.3), dbSNP rs2523270927, ClinGen allele CA415238554.

ClinVar aggregate classification (germline): Likely pathogenic. Review status: criteria provided, multiple submitters, no conflicts (2 of 4 stars). 2 submissions from 2 submitters: Likely pathogenic (2). Last evaluated 2023-09-23.

Conditions:
Malaria, susceptibility to. Identifiers: Orphanet 673, MedGen C1970028, MONDO:0021024, OMIM 611162.
Anemia, nonspherocytic hemolytic, due to G6PD deficiency (CNSHA1). Also called: Hemolytic anemia due to G6PD deficiency; Class I glucose-6-phosphate dehydrogenase deficiency; Favism, susceptibility to; ANEMIA, CONGENITAL, NONSPHEROCYTIC HEMOLYTIC, 1. Identifiers: Orphanet 466026, MedGen C2720289, MONDO:0010480, OMIM 300908.

gnomAD v4.1: 1 of 1,212,148 alleles (0.000082%); no homozygotes.

Submissions (2):

Baylor Genetics
Classification: Likely pathogenic for Malaria, susceptibility to. Last evaluated: 2023-09-23. Review status: criteria provided, single submitter. Criteria: ACMG Guidelines, 2015. Collection method: clinical testing. Allele origin: unknown.

Dunham Lab, University of Washington
Classification: Likely pathogenic for Anemia, nonspherocytic hemolytic, due to G6PD deficiency. Last evaluated: 2022-08-12. Review status: criteria provided, single submitter. Criteria: Bayesian ACMG Guidelines, 2018. Collection method: curation. Allele origin: unknown. Affected: yes.
Comment: Variant found in three unrelated hemizygotes with G6PD deficiency (PP4, PS4_M). Decreased activity in red blood cells of hemizygote (2%) (PS3). Not observed in gnomAD (PM2). Post_P 0.988 (odds of pathogenicity 729.3, Prior_P 0.1).

Literature cited by the submitters: PubMed 12367584 (cited by Dunham Lab, University of Washington).